The following is an entry in ClinVar:

NM_000535.7(PMS2):c.703C>G (p.Gln235Glu)

Gene: PMS2 (PMS1 homolog 2, mismatch repair system component; minus strand). Cytogenetic location: 7p22.1.
Variant type: single nucleotide variant.
Coding change: c.703C>G on transcript NM_000535.7 (MANE Select); coding-DNA position 703, C replaced by G.
Protein change: p.Gln235Glu; replaces glutamine 235 with glutamic acid.
Molecular consequence: missense variant. On other transcripts: 5 prime UTR variant (2), non-coding transcript variant (1), intron variant (1).
Genome position (GRCh38, 1-based): chr7:5,999,110, G>C on the plus strand (C>G on the coding strand, the complement: PMS2 is on the minus strand). VCF-style: chr7-5999110-G-C. GRCh37 (hg19) VCF-style: chr7-6038741-G-C.
Other names: c.298C>G, p.Gln100Glu (NM_001322003.2, NM_001322004.2, NM_001322005.2 and 2 more transcripts); c.703C>G, p.Gln235Glu (NM_001322006.2, NM_001322014.2); c.385C>G, p.Gln129Glu (NM_001322007.2, NM_001322008.2); c.-231C>G (NM_001322011.2, NM_001322012.2); c.394C>G, p.Gln132Glu (NM_001322015.2); c.133-1687C>G (NM_001322013.2); short protein forms Q100E, Q129E, Q235E, Q132E.
Identifiers: ClinVar variation 1355745 (VCV001355745.8), dbSNP rs63750261, ClinGen allele CA366743812.

ClinVar aggregate classification (germline): Uncertain significance (1 of 4 stars; one submission).

Conditions:
Hereditary nonpolyposis colorectal neoplasms. Identifiers: MedGen C0009405, MeSH D003123.

Submission:

Labcorp Genetics (formerly Invitae), Labcorp
Classification: Uncertain significance for Hereditary nonpolyposis colorectal neoplasms. Last evaluated: 2021-05-20. Review status: criteria provided, single submitter. Criteria: Invitae Variant Classification Sherloc (09022015). Collection method: clinical testing. Allele origin: germline.
Comment: In summary, the available evidence is currently insufficient to determine the role of this variant in disease. Therefore, it has been classified as a Variant of Uncertain Significance. Algorithms developed to predict the effect of missense changes on protein structure and function (SIFT, PolyPhen-2, Align-GVGD) all suggest that this variant is likely to be disruptive, but these predictions have not been confirmed by published functional studies and their clinical significance is uncertain. This variant has not been reported in the literature in individuals with PMS2-related conditions. This variant is not present in population databases (ExAC no frequency). This sequence change replaces glutamine with glutamic acid at codon 235 of the PMS2 protein (p.Gln235Glu). The glutamine residue is highly conserved and there is a small physicochemical difference between glutamine and glutamic acid.